The following is an entry in ClinVar:

ClinVar aggregate classification (germline): Likely benign. Review status: criteria provided, multiple submitters, no conflicts (2 of 4 stars). 3 submissions from 3 submitters: Likely benign (2). 1 of the submissions does not count toward it. Last evaluated 2025-08-26.

Conditions:
SETD5-related disorder. Also called: SETD5-related disorders; SETD5-related condition.
Inborn genetic diseases. Identifiers: MedGen C0950123, MeSH D030342.

Allele frequency attached by ClinVar (database versions not stated): ESP Exome Variant Server 0.00008; gnomAD 0.00010; TOPMed 0.00015; gnomAD exomes 0.00019; ExAC 0.00049.
gnomAD v4.1: 300 of 1,613,814 alleles (0.019%); highest among the groups gnomAD compares: Non-Finnish European, 0.021%; 1 homozygote.

Submissions (3):

Labcorp Genetics (formerly Invitae), Labcorp
Classification: Likely benign. Last evaluated: 2025-08-26. Review status: criteria provided, single submitter. Criteria: Invitae Variant Classification Sherloc (09022015). Collection method: clinical testing. Allele origin: germline.

Ambry Genetics
Classification: Likely benign for Inborn genetic diseases. Last evaluated: 2025-07-12. Review status: criteria provided, single submitter. Criteria: Ambry Variant Classification Scheme 2023. Collection method: clinical testing. Allele origin: germline.

PreventionGenetics, part of Exact Sciences
Classification: Likely benign for SETD5-related condition. Last evaluated: 2020-01-07. Review status: no assertion criteria provided. Collection method: clinical testing. Allele origin: germline. Not counted in ClinVar's aggregate classification.
Comment: This variant is classified as likely benign based on ACMG/AMP sequence variant interpretation guidelines (Richards et al. 2015 PMID: 25741868, with internal and published modifications).

NM_001080517.3(SETD5):c.3260G>A (p.Gly1087Asp)

Gene: SETD5 (SET domain containing 5; plus strand). Cytogenetic location: 3p25.3.
Variant type: single nucleotide variant.
Coding change: c.3260G>A on transcript NM_001080517.3 (MANE Select); coding-DNA position 3260, G replaced by A.
Protein change: p.Gly1087Asp; replaces glycine 1087 with aspartic acid.
Molecular consequence: missense variant.
Genome position (GRCh38, 1-based): chr3:9,473,300, G>A. VCF-style: chr3-9473300-G-A. GRCh37 (hg19) VCF-style: chr3-9514984-G-A.
Other names: c.2966G>A, p.Gly989Asp (NM_001292043.2, NM_001349451.2); c.3260G>A (NM_001080517.1, NM_001080517.2); short protein forms G1087D, G989D.
Identifiers: ClinVar variation 2069415 (VCV002069415.7), dbSNP rs202119930, ClinGen allele CA2239648.